The following is an entry in ClinVar:

NM_014915.3(ANKRD26):c.-149G>T

Gene: ANKRD26 (ankyrin repeat domain containing 26; minus strand). Cytogenetic location: 10p12.1.
Variant type: single nucleotide variant.
Coding change: c.-149G>T on transcript NM_014915.3 (MANE Select); 149 bases upstream of the start codon, G replaced by T.
Molecular consequence: 5 prime UTR variant.
Genome position (GRCh38, 1-based): chr10:27,100,475, C>A on the plus strand (G>T on the coding strand, the complement: ANKRD26 is on the minus strand). VCF-style: chr10-27100475-C-A. GRCh37 (hg19) VCF-style: chr10-27389404-C-A.
Other names: c.-149G>T (NM_001256053.2).
Identifiers: ClinVar variation 2572665 (VCV002572665.1), dbSNP rs2056616239, ClinGen allele CA2580615442.
Genomic context (GRCh38, chr10:27,100,475, plus strand): 5'-TGGCCGCAGCCTCCCAAAGGAAACTCCGCGGTTTCCAATCTCTCCCTCCGGGTTACCAAG[C>A]AAGCGATCCCGCTAGACACAAGTGCGCATGCGCACCTCAGATGGCAAGGTCCACGCGCGT-3'

ClinVar aggregate classification (germline): Uncertain significance (1 of 4 stars; one submission).

Submission:

GeneDx
Classification: Uncertain significance. Last evaluated: 2023-01-12. Review status: criteria provided, single submitter. Criteria: GeneDx Variant Classification Process June 2021. Collection method: clinical testing. Allele origin: germline. Affected: yes.
Comment: Nucleotide substitution has no predicted effect on splicing and is not conserved across species; Has not been previously published as pathogenic or benign to our knowledge; No data available from control populations to assess the frequency of this variant